The following is an entry in ClinVar:

NM_001010874.5(TECRL):c.85G>A (p.Asp29Asn)

Gene: TECRL (trans-2,3-enoyl-CoA reductase like; minus strand). Cytogenetic location: 4q13.1.
Variant type: single nucleotide variant.
Coding change: c.85G>A on transcript NM_001010874.5 (MANE Select); coding-DNA position 85, G replaced by A.
Protein change: p.Asp29Asn; replaces aspartic acid 29 with asparagine.
Molecular consequence: missense variant.
Genome position (GRCh38, 1-based): chr4:64,409,267, C>T on the plus strand (G>A on the coding strand, the complement: TECRL is on the minus strand). VCF-style: chr4-64409267-C-T. GRCh37 (hg19) VCF-style: chr4-65274985-C-T.
Other names: c.85G>A, p.Asp29Asn (NM_001363796.1); short protein forms D29N.
Identifiers: ClinVar variation 5030600 (VCV005030600.1).
Genomic context (GRCh38, chr4:64,409,267, plus strand): 5'-TTGGTCTTAGAGGGCCCGCTGAGAGTACAAGTTTTGACAAAAAGTGAAAATTTCTCATAT[C>T]ATCCTTCAGTATGAACCGTGTAGCTCTTTGGGAAAGTAATGCTCTCTTGCGTTCCGAAGC-3'
Protein context (NP_001010874.2, residues 19-39): QRATRFILKD[Asp29Asn]MRNFHFLSKL

ClinVar aggregate classification (germline): Uncertain significance (1 of 4 stars; one submission).

Conditions:
Cardiovascular phenotype. Identifiers: MedGen CN230736.

gnomAD v4.1: 7 of 1,588,192 alleles (0.00044%); highest among the groups gnomAD compares: Non-Finnish European, 0.0006%; no homozygotes.

Submission:

Ambry Genetics
Classification: Uncertain significance for Cardiovascular phenotype. Last evaluated: 2026-07-01. Review status: criteria provided, single submitter. Criteria: Ambry Variant Classification Scheme 2023. Collection method: clinical testing. Allele origin: germline.
Comment: The p.D29N variant (also known as c.85G>A), located in coding exon 1 of the TECRL gene, results from a G to A substitution at nucleotide position 85. The aspartic acid at codon 29 is replaced by asparagine, an amino acid with highly similar properties. This amino acid position is conserved. In addition, this alteration is predicted to be tolerated by in silico analysis. Based on the available evidence, the clinical significance of this variant remains unclear.